The following is an entry in ClinVar:

NM_206933.4(USH2A):c.13891G>A (p.Ala4631Thr)

Gene: USH2A (usherin; minus strand). Cytogenetic location: 1q41.
Variant type: single nucleotide variant.
Coding change: c.13891G>A on transcript NM_206933.4 (MANE Select); coding-DNA position 13891, G replaced by A.
Protein change: p.Ala4631Thr; replaces alanine 4631 with threonine.
Molecular consequence: missense variant.
Genome position (GRCh38, 1-based): chr1:215,671,214, C>T on the plus strand (G>A on the coding strand, the complement: USH2A is on the minus strand). VCF-style: chr1-215671214-C-T. GRCh37 (hg19) VCF-style: chr1-215844556-C-T.
Other names: short protein forms A4631T.
Identifiers: ClinVar variation 2985323 (VCV002985323.3), dbSNP rs749037244, ClinGen allele CA1393183.

ClinVar aggregate classification (germline): Uncertain significance (1 of 4 stars; one submission).

Allele frequency attached by ClinVar (database versions not stated): ExAC 0.00001; gnomAD 0.00001; gnomAD exomes 0.00001.
gnomAD v4.1: 4 of 1,613,996 alleles (0.00025%); highest among the groups gnomAD compares: Non-Finnish European, 0.00017%; no homozygotes.

Submission:

Labcorp Genetics (formerly Invitae), Labcorp
Classification: Uncertain significance. Last evaluated: 2023-10-16. Review status: criteria provided, single submitter. Criteria: Invitae Variant Classification Sherloc (09022015). Collection method: clinical testing. Allele origin: germline.
Comment: This sequence change replaces alanine, which is neutral and non-polar, with threonine, which is neutral and polar, at codon 4631 of the USH2A protein (p.Ala4631Thr). This variant is present in population databases (rs749037244, gnomAD 0.0009%). This variant has not been reported in the literature in individuals affected with USH2A-related conditions. Advanced modeling of protein sequence and biophysical properties (such as structural, functional, and spatial information, amino acid conservation, physicochemical variation, residue mobility, and thermodynamic stability) performed at Invitae indicates that this missense variant is not expected to disrupt USH2A protein function. In summary, the available evidence is currently insufficient to determine the role of this variant in disease. Therefore, it has been classified as a Variant of Uncertain Significance.